The following is an entry in ClinVar:

ClinVar aggregate classification (germline): Likely benign. Review status: criteria provided, multiple submitters, no conflicts (2 of 4 stars). 2 submissions from 2 submitters: Likely benign (2). Last evaluated 2026-09-01.

Allele frequency attached by ClinVar (database versions not stated): 1000 Genomes Project 0.00200; 1000 Genomes Project 30x 0.00203; ExAC 0.00273.
gnomAD v4.1: 10,969 of 1,459,578 alleles (0.75%); highest among the groups gnomAD compares: Non-Finnish European, 0.92%; 47 homozygotes.

Submissions (2):

CeGaT Center for Human Genetics Tuebingen
Classification: Likely benign. Last evaluated: 2026-09-01. Review status: criteria provided, single submitter. Criteria: CeGaT Center For Human Genetics Tuebingen Variant Classification Criteria Version 2. Collection method: clinical testing. Allele origin: germline. Affected: yes. Observed: 10 variant alleles.
Comment: COL18A1: BP4, BS2

Blueprint Genetics
Classification: Likely benign. Last evaluated: 2024-11-28. Review status: criteria provided, single submitter. Criteria: ACMG Guidelines, 2015. Collection method: clinical testing. Allele origin: germline.

NM_001379500.1(COL18A1):c.107-11502G>A

Gene: COL18A1 (collagen type XVIII alpha 1 chain; plus strand). Cytogenetic location: 21q22.3.
Variant type: single nucleotide variant.
Coding change: c.107-11502G>A on transcript NM_001379500.1 (MANE Select); 11502 bases into the intron before coding-DNA position 107, G replaced by A.
Molecular consequence: intron variant. On other transcripts: missense variant (1).
Genome position (GRCh38, 1-based): chr21:45,456,740, G>A. VCF-style: chr21-45456740-G-A. GRCh37 (hg19) VCF-style: chr21-46876654-G-A.
Other names: c.1210G>A, p.Ala404Thr (NM_130444.3); c.646+564G>A (NM_030582.4); short protein forms A404T.
Identifiers: ClinVar variation 2652794 (VCV002652794.25), dbSNP rs141363853, ClinGen allele CA10065641.